The following is an entry in ClinVar:

ClinVar aggregate classification (germline): Uncertain significance (1 of 4 stars; one submission).

gnomAD v4.1: 8 of 1,614,088 alleles (0.0005%); highest among the groups gnomAD compares: Non-Finnish European, 0.00068%; no homozygotes.

Submission:

Labcorp Genetics (formerly Invitae), Labcorp
Classification: Uncertain significance. Last evaluated: 2022-03-28. Review status: criteria provided, single submitter. Criteria: Invitae Variant Classification Sherloc (09022015). Collection method: clinical testing. Allele origin: germline.
Comment: In summary, the available evidence is currently insufficient to determine the role of this variant in disease. Therefore, it has been classified as a Variant of Uncertain Significance. Algorithms developed to predict the effect of missense changes on protein structure and function output the following: SIFT: "Tolerated"; PolyPhen-2: "Benign"; Align-GVGD: "Class C0". The proline amino acid residue is found in multiple mammalian species, which suggests that this missense change does not adversely affect protein function. This variant has not been reported in the literature in individuals affected with KAT6A-related conditions. This variant is present in population databases (no rsID available, gnomAD 0.0009%). This sequence change replaces leucine, which is neutral and non-polar, with proline, which is neutral and non-polar, at codon 887 of the KAT6A protein (p.Leu887Pro).

NM_006766.5(KAT6A):c.2660T>C (p.Leu887Pro)

Gene: KAT6A (lysine acetyltransferase 6A; minus strand). Cytogenetic location: 8p11.21.
Variant type: single nucleotide variant.
Coding change: c.2660T>C on transcript NM_006766.5 (MANE Select); coding-DNA position 2660, T replaced by C.
Protein change: p.Leu887Pro; replaces leucine 887 with proline.
Molecular consequence: missense variant.
Genome position (GRCh38, 1-based): chr8:41,941,221, A>G on the plus strand (T>C on the coding strand, the complement: KAT6A is on the minus strand). VCF-style: chr8-41941221-A-G. GRCh37 (hg19) VCF-style: chr8-41798739-A-G.
Other names: short protein forms L887P.
Identifiers: ClinVar variation 2118889 (VCV002118889.4), dbSNP rs1188374858, ClinGen allele CA371071945.